The following is an entry in ClinVar:

ClinVar aggregate classification (germline): Uncertain significance. Review status: criteria provided, multiple submitters, no conflicts (2 of 4 stars). 3 submissions from 3 submitters: Uncertain significance (3). Last evaluated 2026-08-18.

Conditions:
Cardiovascular phenotype. Identifiers: MedGen CN230736.
Progressive familial heart block type IB (PFHB1B). Identifiers: Orphanet 871, MedGen C1970298, MONDO:0011474, OMIM 604559.

Allele frequency attached by ClinVar (database versions not stated): TOPMed below 0.00001.
gnomAD v4.1: 1 of 1,592,798 alleles (0.000063%); highest among the groups gnomAD compares: African/African-American, 0.0013%; no homozygotes.

Submissions (3):

Ambry Genetics
Classification: Uncertain significance for Cardiovascular phenotype. Last evaluated: 2026-08-18. Review status: criteria provided, single submitter. Criteria: Ambry Variant Classification Scheme 2023. Collection method: clinical testing. Allele origin: germline.

Labcorp Genetics (formerly Invitae), Labcorp
Classification: Uncertain significance for Progressive familial heart block type IB. Last evaluated: 2025-07-16. Review status: criteria provided, single submitter. Criteria: Invitae Variant Classification Sherloc (09022015). Collection method: clinical testing. Allele origin: germline.
Comment: This sequence change replaces phenylalanine, which is neutral and non-polar, with leucine, which is neutral and non-polar, at codon 533 of the TRPM4 protein (p.Phe533Leu). This variant is not present in population databases (gnomAD no frequency). This variant has not been reported in the literature in individuals affected with TRPM4-related conditions. ClinVar contains an entry for this variant (Variation ID: 429448). An algorithm developed to predict the effect of missense changes on protein structure and function (PolyPhen-2) suggests that this variant is likely to be tolerated. Algorithms developed to predict the effect of sequence changes on RNA splicing suggest that this variant may disrupt the consensus splice site. In summary, the available evidence is currently insufficient to determine the role of this variant in disease. Therefore, it has been classified as a Variant of Uncertain Significance.

GeneDx
Classification: Uncertain significance. Last evaluated: 2017-05-05. Review status: criteria provided, single submitter. Criteria: GeneDx Variant Classification (06012015). Collection method: clinical testing. Allele origin: germline. Affected: yes.
Comment: A variant of uncertain significance has been identified in the TRPM4 gene. The F533L variant has not been published as pathogenic or been reported as benign to our knowledge. Additionally, this variant is not observed in large population cohorts (Lek et al., 2016; 1000 Genomes Consortium et al., 2015; Exome Variant Server). However, the F533L variant is a conservative amino acid substitution, which is not likely to impact secondary protein structure as these residues share similar properties. Additionally, this substitution occurs at a position that is not conserved across species and in silico analysis predicts this variant likely does not alter the protein structure/function.

NM_017636.4(TRPM4):c.1599C>G (p.Phe533Leu)

Gene: TRPM4 (transient receptor potential cation channel subfamily M member 4; plus strand). Cytogenetic location: 19q13.33.
Variant type: single nucleotide variant.
Coding change: c.1599C>G on transcript NM_017636.4 (MANE Select); coding-DNA position 1599, C replaced by G.
Protein change: p.Phe533Leu; replaces phenylalanine 533 with leucine.
Molecular consequence: missense variant. On other transcripts: intron variant (1).
Genome position (GRCh38, 1-based): chr19:49,182,913, C>G. VCF-style: chr19-49182913-C-G. GRCh37 (hg19) VCF-style: chr19-49686170-C-G.
Other names: c.1599C>G, p.Phe533Leu (NM_001195227.2); c.1254C>G, p.Phe418Leu (NM_001321281.2); c.1077C>G, p.Phe359Leu (NM_001321283.2); c.537C>G, p.Phe179Leu (NM_001321285.2); c.-1+46C>G (NM_001321282.2); short protein forms F533L, F179L, F418L, F359L.
Identifiers: ClinVar variation 429448 (VCV000429448.4), dbSNP rs1131691388, ClinGen allele CA406800021.